The following is an entry in ClinVar:

NM_000180.4(GUCY2D):c.857C>T (p.Ser286Phe)

Gene: GUCY2D (guanylate cyclase 2D, retinal; plus strand). Cytogenetic location: 17p13.1.
Variant type: single nucleotide variant.
Coding change: c.857C>T on transcript NM_000180.4 (MANE Select); coding-DNA position 857, C replaced by T.
Protein change: p.Ser286Phe; replaces serine 286 with phenylalanine.
Molecular consequence: missense variant.
Genome position (GRCh38, 1-based): chr17:8,003,987, C>T. VCF-style: chr17-8003987-C-T. GRCh37 (hg19) VCF-style: chr17-7907305-C-T.
Other names: c.857C>T (NM_000180.3); short protein forms S286F.
Identifiers: ClinVar variation 1955248 (VCV001955248.4), dbSNP rs764905877, ClinGen allele CA8365585.

ClinVar aggregate classification (germline): Uncertain significance. Review status: criteria provided, multiple submitters, no conflicts (2 of 4 stars). 3 submissions from 3 submitters: Uncertain significance (3). Last evaluated 2024-12-25.

Conditions:
Inborn genetic diseases. Identifiers: MedGen C0950123, MeSH D030342.
Cone-rod dystrophy 6 (CORD6). Also called: Cone dystrophy progressive; RETINAL CONE DYSTROPHY 2. Identifiers: Orphanet 1872, MedGen C1866293, MONDO:0011143, OMIM 601777.
Leber congenital amaurosis 1 (LCA1). Also called: Congenital absence of the rods and cones; Leber's congenital tapetoretinal degeneration; Leber's congenital tapetoretinal dysplasia; AMAUROSIS CONGENITA OF LEBER I; RETINAL BLINDNESS, CONGENITAL. Identifiers: Orphanet 65, MedGen C2931258, MONDO:0008764, OMIM 204000.

Allele frequency attached by ClinVar (database versions not stated): ExAC 0.00001; gnomAD 0.00002; TOPMed 0.00004.
gnomAD v4.1: 6 of 1,613,508 alleles (0.00037%); highest among the groups gnomAD compares: African/African-American, 0.0053%; no homozygotes.

Submissions (3):

Ambry Genetics
Classification: Uncertain significance for Inborn genetic diseases. Last evaluated: 2024-12-25. Review status: criteria provided, single submitter. Criteria: Ambry Variant Classification Scheme 2023. Collection method: clinical testing. Allele origin: germline.

Blueprint Genetics
Classification: Uncertain significance. Last evaluated: 2023-08-30. Review status: criteria provided, single submitter. Criteria: ACMG Guidelines, 2015. Collection method: clinical testing. Allele origin: germline.

Labcorp Genetics (formerly Invitae), Labcorp
Classification: Uncertain significance for Leber congenital amaurosis 1; Cone-rod dystrophy 6. Last evaluated: 2022-05-10. Review status: criteria provided, single submitter. Criteria: Invitae Variant Classification Sherloc (09022015). Collection method: clinical testing. Allele origin: germline.
Comment: This sequence change replaces serine, which is neutral and polar, with phenylalanine, which is neutral and non-polar, at codon 286 of the GUCY2D protein (p.Ser286Phe). This variant is present in population databases (rs764905877, gnomAD 0.007%). This variant has not been reported in the literature in individuals affected with GUCY2D-related conditions. Algorithms developed to predict the effect of missense changes on protein structure and function (SIFT, PolyPhen-2, Align-GVGD) all suggest that this variant is likely to be disruptive. In summary, the available evidence is currently insufficient to determine the role of this variant in disease. Therefore, it has been classified as a Variant of Uncertain Significance.